The following is an entry in ClinVar:

ClinVar aggregate classification (germline): Likely benign. Review status: criteria provided, multiple submitters, no conflicts (2 of 4 stars). 3 submissions from 3 submitters: Likely benign (3). Last evaluated 2025-02-05.

Conditions:
Familial melanoma. Also called: Hereditary melanoma; Hereditary cutaneous melanoma. Identifiers: Orphanet 618, MedGen C1512419, MONDO:0018961.
Melanoma, cutaneous malignant, susceptibility to, 3. Also called: Cutaneous malignant melanoma 3. Identifiers: Orphanet 618, MedGen C1836892, MONDO:0012183, OMIM 609048.

Allele frequency attached by ClinVar (database versions not stated): TOPMed below 0.00001; ExAC 0.00001; gnomAD exomes 0.00001.
gnomAD v4.1: 1 of 1,614,008 alleles (0.000062%); highest among the groups gnomAD compares: Non-Finnish European, 0.000085%; no homozygotes.

Submissions (3):

Labcorp Genetics (formerly Invitae), Labcorp
Classification: Likely benign for Familial melanoma. Last evaluated: 2025-02-05. Review status: criteria provided, single submitter. Criteria: Invitae Variant Classification Sherloc (09022015). Collection method: clinical testing. Allele origin: germline.

Women's Health and Genetics/Laboratory Corporation of America, LabCorp
Classification: Likely benign. Last evaluated: 2024-12-11. Review status: criteria provided, single submitter. Criteria: LabCorp Variant Classification Summary - May 2015. Collection method: clinical testing. Allele origin: germline.

Myriad Genetics, Inc.
Classification: Likely benign for Melanoma, cutaneous malignant, susceptibility to, 3. Last evaluated: 2024-09-25. Review status: criteria provided, single submitter. Criteria: Myriad Autosomal Dominant, Autosomal Recessive and X-Linked Classification Criteria (2023). Collection method: clinical testing. Allele origin: unknown.
Comment: This variant is considered likely benign. This variant is intronic and is not expected to impact mRNA splicing.

NM_000075.4(CDK4):c.219-10C>T

Gene: CDK4 (cyclin dependent kinase 4; minus strand). Cytogenetic location: 12q14.1.
Variant type: single nucleotide variant.
Coding change: c.219-10C>T on transcript NM_000075.4 (MANE Select); 10 bases into the intron before coding-DNA position 219, C replaced by T.
Molecular consequence: intron variant.
Genome position (GRCh38, 1-based): chr12:57,751,352, G>A on the plus strand (C>T on the coding strand, the complement: CDK4 is on the minus strand). VCF-style: chr12-57751352-G-A. GRCh37 (hg19) VCF-style: chr12-58145135-G-A.
Other names: c.219-10C>T (LRG_490t1).
Identifiers: ClinVar variation 495533 (VCV000495533.11), dbSNP rs759302811, ClinGen allele CA6657858.